The following is an entry in ClinVar:

NM_000474.4(TWIST1):c.465C>G (p.Tyr155Ter)

Genes: TWIST1 (twist family bHLH transcription factor 1; minus strand), LOC129998021 (ATAC-STARR-seq lymphoblastoid active region 25682; plus strand). Cytogenetic location: 7p21.1.
Variant type: single nucleotide variant.
Coding change: c.465C>G on transcript NM_000474.4 (MANE Select); coding-DNA position 465, C replaced by G.
Protein change: p.Tyr155Ter; replaces tyrosine 155 with a stop codon.
Molecular consequence: nonsense. On other transcripts: non-coding transcript variant (1).
Genome position (GRCh38, 1-based): chr7:19,116,857, G>C on the plus strand (C>G on the coding strand, the complement: TWIST1 is on the minus strand). VCF-style: chr7-19116857-G-C. GRCh37 (hg19) VCF-style: chr7-19156480-G-C.
Other names: short protein forms Y155*.
Identifiers: ClinVar variation 2070030 (VCV002070030.5), dbSNP rs778800284, ClinGen allele CA367015381.
Genomic context (GRCh38, chr7:19,116,857, plus strand): 5'-GCAGCTTGCCATCTTGGAGTCCAGCTCGTCGCTCTGGAGGACCTGGTAGAGGAAGTCGAT[G>C]TACCTGGCCGCCAGCTTGAGGGTCTGAATCTTGCTCAGCTTGTCCGAGGGCAGCGTGGGG-3'

ClinVar aggregate classification (germline): Pathogenic. Review status: criteria provided, multiple submitters, no conflicts (2 of 4 stars). 2 submissions from 2 submitters: Pathogenic (2). Last evaluated 2023-12-29.

Conditions:
Saethre-Chotzen syndrome (SCS). Also called: ACROCEPHALY, SKULL ASYMMETRY, AND MILD SYNDACTYLY; ACS III; CHOTZEN SYNDROME. Identifiers: Orphanet 794, MedGen C0175699, MONDO:0007042, OMIM 101400.
TWIST1-related craniosynostosis (CRS1). Also called: CRANIOSYNOSTOSIS 1. Identifiers: Orphanet 63440, MedGen C4551902, MONDO:0007399, OMIM 123100. Inheritance: Heterogenous inheritance pattern.

Submissions (2):

3billion
Classification: Pathogenic for Saethre-Chotzen syndrome. Last evaluated: 2023-12-29. Review status: criteria provided, single submitter. Criteria: ACMG Guidelines, 2015. Collection method: clinical testing. Allele origin: germline. Affected: yes.
Comment: The variant is not observed in the gnomAD v2.1.1 dataset. Predicted Consequence/Location: Stop-gained (nonsense): predicted to result in a loss or disruption of normal protein function through nonsense-mediated decay (NMD) or protein truncation. Multiple pathogenic variants are reported downstream of the variant. The variant has been reported to be associated with TWIST1-related disorder (ClinVar ID: VCV002070030). Therefore, this variant is classified as Pathogenic according to the recommendation of ACMG/AMP guideline.

Labcorp Genetics (formerly Invitae), Labcorp
Classification: Pathogenic for TWIST1-related craniosynostosis; Saethre-Chotzen syndrome. Last evaluated: 2022-01-02. Review status: criteria provided, single submitter. Criteria: Invitae Variant Classification Sherloc (09022015). Collection method: clinical testing. Allele origin: germline.
Comment: This sequence change creates a premature translational stop signal (p.Tyr155*) in the TWIST1 gene. It is expected to result in an absent or disrupted protein product. Loss-of-function variants in TWIST1 are known to be pathogenic (PMID: 10749989). For these reasons, this variant has been classified as Pathogenic. This premature translational stop signal has been observed in individual(s) with Saethre-Chotzen craniosynostosis syndrome (PMID: 10094188, 11748846). This variant is not present in population databases (gnomAD no frequency).

Literature cited by the submitters: PubMed 10749989 (cited by Labcorp Genetics (formerly Invitae), Labcorp); PubMed 10094188 (cited by Labcorp Genetics (formerly Invitae), Labcorp); PubMed 11748846 (cited by Labcorp Genetics (formerly Invitae), Labcorp).